The following is an entry in ClinVar:

ClinVar aggregate classification (germline): Uncertain significance. Review status: criteria provided, multiple submitters, no conflicts (2 of 4 stars). 5 submissions from 5 submitters: Uncertain significance (5). Last evaluated 2026-09-29.

Conditions:
Dilated cardiomyopathy 1AA (CMD1AA). Also called: Cardiomyopathy, dilated, 1AA, with or without LVNC; CARDIOMYOPATHY, DILATED, 1AA, WITH OR WITHOUT LEFT VENTRICULAR NONCOMPACTION; CARDIOMYOPATHY, FAMILIAL HYPERTROPHIC, 23, WITH OR WITHOUT LEFT VENTRICULAR NONCOMPACTION. Identifiers: Orphanet 154, MedGen C2677338, MONDO:0012808, OMIM 612158.
Cardiovascular phenotype. Identifiers: MedGen CN230736.
Primary familial hypertrophic cardiomyopathy (HCM). Identifiers: Orphanet 99739, MedGen C0949658, MeSH D024741, MONDO:0024573. Inheritance: Various modes of inheritance.

Allele frequency attached by ClinVar (database versions not stated): gnomAD exomes below 0.00001.
gnomAD v4.1: 4 of 1,614,140 alleles (0.00025%); highest among the groups gnomAD compares: South Asian, 0.0011%; no homozygotes.

Submissions (5):

GeneDx
Classification: Uncertain significance. Last evaluated: 2026-09-29. Review status: criteria provided, single submitter. Criteria: GeneDx Variant Classification Process June 2021. Collection method: clinical testing. Allele origin: germline.
Comment: Has not been previously published as pathogenic or benign to our knowledge; Not observed at significant frequency in large population cohorts (gnomAD); In silico analysis supports that this missense variant has a deleterious effect on protein structure/function

Molecular Diagnostic Laboratory for Inherited Cardiovascular Disease, Montreal Heart Institute
Classification: Uncertain significance for Cardiovascular phenotype. Last evaluated: 2026-09-21. Review status: criteria provided, single submitter. Criteria: ACMG Guidelines, 2015. Collection method: clinical testing. Allele origin: germline. Affected: yes.
Comment: PM2

Ambry Genetics
Classification: Uncertain significance for Cardiovascular phenotype. Last evaluated: 2025-12-19. Review status: criteria provided, single submitter. Criteria: Ambry Variant Classification Scheme 2023. Collection method: clinical testing. Allele origin: germline.
Comment: The p.A255T variant (also known as c.763G>A), located in coding exon 8 of the ACTN2 gene, results from a G to A substitution at nucleotide position 763. The alanine at codon 255 is replaced by threonine, an amino acid with similar properties. This amino acid position is conserved. In addition, this alteration is predicted to be deleterious by in silico analysis. Since supporting evidence is limited at this time, the clinical significance of this alteration remains unclear.

Labcorp Genetics (formerly Invitae), Labcorp
Classification: Uncertain significance for Primary familial hypertrophic cardiomyopathy; Dilated cardiomyopathy 1AA. Last evaluated: 2024-06-30. Review status: criteria provided, single submitter. Criteria: Invitae Variant Classification Sherloc (09022015). Collection method: clinical testing. Allele origin: germline.
Comment: This sequence change replaces alanine, which is neutral and non-polar, with threonine, which is neutral and polar, at codon 255 of the ACTN2 protein (p.Ala255Thr). This variant is present in population databases (no rsID available, gnomAD 0.0009%). This variant has not been reported in the literature in individuals affected with ACTN2-related conditions. ClinVar contains an entry for this variant (Variation ID: 412266). Advanced modeling of protein sequence and biophysical properties (such as structural, functional, and spatial information, amino acid conservation, physicochemical variation, residue mobility, and thermodynamic stability) performed at Invitae indicates that this missense variant is not expected to disrupt ACTN2 protein function with a negative predictive value of 80%. In summary, the available evidence is currently insufficient to determine the role of this variant in disease. Therefore, it has been classified as a Variant of Uncertain Significance.

New York Genome Center
Classification: Uncertain significance for Dilated cardiomyopathy 1AA. Last evaluated: 2019-05-31. Review status: criteria provided, single submitter. Criteria: NYGC Assertion Criteria 2020. Collection method: clinical testing. Allele origin: germline. Observed: 1 heterozygote. Study: CSER-NYCKidSeq.

NM_001103.4(ACTN2):c.763G>A (p.Ala255Thr)

Gene: ACTN2 (actinin alpha 2; plus strand). Cytogenetic location: 1q43.
Variant type: single nucleotide variant.
Coding change: c.763G>A on transcript NM_001103.4 (MANE Select); coding-DNA position 763, G replaced by A.
Protein change: p.Ala255Thr; replaces alanine 255 with threonine.
Molecular consequence: missense variant. On other transcripts: intron variant (1).
Genome position (GRCh38, 1-based): chr1:236,735,700, G>A. VCF-style: chr1-236735700-G-A. GRCh37 (hg19) VCF-style: chr1-236899000-G-A.
Other names: c.28G>A, p.Ala10Thr (NM_001278344.2); c.783+1182G>A (NM_001278343.2); short protein forms A255T, A10T.
Identifiers: ClinVar variation 412266 (VCV000412266.15), dbSNP rs1060503682, ClinGen allele CA16609980.